The following is an entry in ClinVar:

NM_000038.6(APC):c.1165A>G (p.Asn389Asp)

Gene: APC (APC regulator of Wnt signaling pathway; plus strand). Cytogenetic location: 5q22.2.
Variant type: single nucleotide variant.
Coding change: c.1165A>G on transcript NM_000038.6 (MANE Select); coding-DNA position 1165, A replaced by G.
Protein change: p.Asn389Asp; replaces asparagine 389 with aspartic acid.
Molecular consequence: missense variant. On other transcripts: intron variant (4).
Genome position (GRCh38, 1-based): chr5:112,819,197, A>G. VCF-style: chr5-112819197-A-G. GRCh37 (hg19) VCF-style: chr5-112154894-A-G.
Other names: c.1165A>G, p.Asn389Asp (NM_001127510.3, NM_001354895.2, NM_001354896.2); c.1111A>G, p.Asn371Asp (NM_001127511.3); c.1195A>G, p.Asn399Asp (NM_001354897.2); c.1090A>G, p.Asn364Asp (NM_001354898.2); c.1081A>G, p.Asn361Asp (NM_001354899.2); c.988A>G, p.Asn330Asp (NM_001354900.2, NM_001354901.2); c.316A>G, p.Asn106Asp (NM_001354906.2); c.964-72A>G (NM_001354902.2); and 4 more; short protein forms N106D, N371D, N399D, N330D, N364D, N361D, N389D.
Identifiers: ClinVar variation 1360679 (VCV001360679.9), dbSNP rs2149781944, ClinGen allele CA16023855.

ClinVar aggregate classification (germline): Uncertain significance. Review status: criteria provided, multiple submitters, no conflicts (2 of 4 stars). 3 submissions from 3 submitters: Uncertain significance (3). Last evaluated 2025-07-07.

Conditions:
Hereditary cancer-predisposing syndrome. Also called: Tumor predisposition; Hereditary neoplastic syndrome; Neoplastic Syndromes, Hereditary; Hereditary Cancer Syndrome. Identifiers: Orphanet 140162, MedGen C0027672, MeSH D009386, MONDO:0015356.
Familial adenomatous polyposis 1 (FAP1). Also called: FAMILIAL ADENOMATOUS POLYPOSIS 1, ATTENUATED; POLYPOSIS, ADENOMATOUS INTESTINAL. Identifiers: MedGen C2713442, MONDO:0021056, OMIM 175100. Disease mechanism: loss of function.

Submissions (3):

Color Diagnostics, LLC DBA Color Health
Classification: Uncertain significance for Hereditary cancer-predisposing syndrome. Last evaluated: 2025-07-07. Review status: criteria provided, single submitter. Criteria: ACMG Guidelines, 2015. Collection method: clinical testing. Allele origin: germline.
Comment: This missense variant replaces asparagine with aspartic acid at codon 389 of the APC protein. Computational prediction is inconclusive regarding the impact of this variant on protein structure and function. To our knowledge, functional studies have not been reported for this variant. This variant has not been reported in individuals affected with APC-related disorders in the literature. This variant has not been identified in the general population by the Genome Aggregation Database (gnomAD). The available evidence is insufficient to determine the role of this variant in disease conclusively. Therefore, this variant is classified as a Variant of Uncertain Significance.

Ambry Genetics
Classification: Uncertain significance for Hereditary cancer-predisposing syndrome. Last evaluated: 2024-09-15. Review status: criteria provided, single submitter. Criteria: Ambry Variant Classification Scheme 2023. Collection method: clinical testing. Allele origin: germline.
Comment: The p.N389D variant (also known as c.1165A>G), located in coding exon 9 of the APC gene, results from an A to G substitution at nucleotide position 1165. The asparagine at codon 389 is replaced by aspartic acid, an amino acid with highly similar properties. This amino acid position is conserved. In addition, in silico predictors for this gene do not accurately predict pathogenicity. Based on the available evidence, the clinical significance of this variant remains unclear.

Labcorp Genetics (formerly Invitae), Labcorp
Classification: Uncertain significance for Familial adenomatous polyposis 1. Last evaluated: 2020-12-29. Review status: criteria provided, single submitter. Criteria: Invitae Variant Classification Sherloc (09022015). Collection method: clinical testing. Allele origin: germline.
Comment: Algorithms developed to predict the effect of missense changes on protein structure and function are either unavailable or do not agree on the potential impact of this missense change (SIFT: "Deleterious"; PolyPhen-2: "Benign"; Align-GVGD: "Class C0"). In summary, the available evidence is currently insufficient to determine the role of this variant in disease. Therefore, it has been classified as a Variant of Uncertain Significance. This variant has not been reported in the literature in individuals with APC-related conditions. This variant is not present in population databases (ExAC no frequency). This sequence change replaces asparagine with aspartic acid at codon 389 of the APC protein (p.Asn389Asp). The asparagine residue is highly conserved and there is a small physicochemical difference between asparagine and aspartic acid.